The following is an entry in ClinVar:

ClinVar aggregate classification (germline): Pathogenic (1 of 4 stars; one submission).

Submission:

GeneDx
Classification: Pathogenic. Last evaluated: 2015-03-13. Review status: criteria provided, single submitter. Criteria: GeneDx Variant Classification (06012015). Collection method: clinical testing. Allele origin: germline. Affected: yes.
Comment: The c.1771_1796del26 variant causes a frameshift starting with codon Phenylalanine 591, changes this aminoacid to a Proline residue and creates a premature Stop codon at position 4 of the new reading frame, denotedp.F591PfsX4. This deletion is predicted to cause loss of normal protein function through protein truncation.It was not observed in approximately 6,500 individuals of European and African American ancestry in theNHLBI Exome Sequencing Project, indicating it is not a common benign variant in these populations. Ahomozygous missense variant has been reported in a patient with MEB and loss of alpha-dystroglycanprotein was noted on muscle biopsy by immunohistochemistry (Geis, et al., 2013). Although the c.1771_1796del26 variant has not been previously reported to our knowledge, and frameshift variants have not been reported in DAG1, it is interpreted as a pathogenic variant.

NM_004393.6(DAG1):c.1771_1796del (p.Phe591fs)

Gene: DAG1 (dystroglycan 1; plus strand). Cytogenetic location: 3p21.31.
Variant type: Deletion.
Coding change: c.1771_1796del on transcript NM_004393.6 (MANE Select); coding-DNA positions 1771 to 1796, 26 bases deleted (TTCGAGATCCACGTCCACAGGCGCCC).
Protein change: p.Phe591fs; shifts the reading frame from phenylalanine 591.
Molecular consequence: frameshift variant.
Genome position (GRCh38, 1-based): chr3:49,532,282-49,532,307, TTCGAGATCCACGTCCACAGGCGCCC deleted; deleting any 26 consecutive bases within chr3:49,532,280-49,532,307 gives the same sequence; the c. name uses the placement nearest the transcript's 3' end. VCF-style (leftmost placement, unchanged base first): chr3-49532279-GCCTTCGAGATCCACGTCCACAGGCGC-G. GRCh37 (hg19) VCF-style: chr3-49569712-GCCTTCGAGATCCACGTCCACAGGCGC-G.
Other names: c.1771_1796delTTCGAGATCCACGTCCACAGGCGCCC (NM_004393.5); c.1771_1796del26 (NM_004393.5); c.1771_1796del, p.Phe591fs (NM_001165928.4, NM_001177634.3, NM_001177635.3 and 9 more transcripts); short protein forms F591fs.
Identifiers: ClinVar variation 418678 (VCV000418678.3), dbSNP rs1064793360, ClinGen allele CA16617991.